The following is an entry in ClinVar:

ClinVar aggregate classification (germline): Benign. Review status: criteria provided, multiple submitters, no conflicts (2 of 4 stars). 2 submissions from 2 submitters: Benign (2). Last evaluated 2018-01-13.

Conditions:
Pyridoxal phosphate-responsive seizures (PNPOD). Also called: Pyridoxine-5'-phosphate oxidase deficiency; SEIZURES, PYRIDOXINE-RESISTANT, PLP-SENSITIVE; EPILEPTIC ENCEPHALOPATHY, NEONATAL, PNPO-RELATED; Pyridoxamine 5-Prime-Phosphate Oxidase Deficiency; Pyridoxal 5'-Phosphate (PLP)-Dependent Epilepsy. Identifiers: Orphanet 79096, MedGen C1864723, MONDO:0012407, OMIM 610090. Disease mechanism: loss of function.

Allele frequency attached by ClinVar (database versions not stated): gnomAD 0.00072 and 0.00083; gnomAD exomes 0.00086; TOPMed 0.00094; 1000 Genomes Project 30x 0.00422; 1000 Genomes Project 0.00459.
gnomAD v4.1: 282 of 329,668 alleles (0.086%); highest among the groups gnomAD compares: East Asian, 1.7%; 1 homozygote.

Submissions (2):

Illumina Laboratory Services, Illumina
Classification: Benign for Pyridoxal phosphate-responsive seizures. Last evaluated: 2018-01-13. Review status: criteria provided, single submitter. Criteria: ICSL Variant Classification Criteria 13 December 2019. Collection method: clinical testing. Allele origin: germline.
Comment: This variant was observed in the ICSL laboratory as part of a predisposition screen in an ostensibly healthy population. It had not been previously curated by ICSL or reported in the Human Gene Mutation Database (HGMD: prior to June 1st, 2018), and was therefore a candidate for classification through an automated scoring system. Utilizing variant allele frequency, disease prevalence and penetrance estimates, and inheritance mode, an automated score was calculated to assess if this variant is too frequent to cause the disease. Based on the score and internal cut-off values, a variant classified as benign is not then subjected to further curation. The score for this variant resulted in a classification of benign for this disease.

Breakthrough Genomics
Classification: Benign. Review status: criteria provided, single submitter. Criteria: ACMG Guidelines, 2015. Collection method: not provided. Allele origin: germline. Inheritance: Autosomal recessive inheritance. Affected: yes.

NM_018129.4(PNPO):c.*341T>C

Gene: PNPO (pyridoxamine 5'-phosphate oxidase; plus strand). Cytogenetic location: 17q21.32.
Variant type: single nucleotide variant.
Coding change: c.*341T>C on transcript NM_018129.4 (MANE Select); 341 bases downstream of the stop codon, T replaced by C.
Molecular consequence: 3 prime UTR variant.
Genome position (GRCh38, 1-based): chr17:47,947,123, T>C. VCF-style: chr17-47947123-T-C. GRCh37 (hg19) VCF-style: chr17-46024489-T-C.
Identifiers: ClinVar variation 890277 (VCV000890277.5), dbSNP rs78358763, ClinGen allele CA291297672.